The following is an entry in ClinVar:

ClinVar aggregate classification (germline): Uncertain significance (1 of 4 stars; one submission).

Allele frequency attached by ClinVar (database versions not stated): TOPMed below 0.00001.

Submission:

Labcorp Genetics (formerly Invitae), Labcorp
Classification: Uncertain significance. Last evaluated: 2023-11-25. Review status: criteria provided, single submitter. Criteria: Invitae Variant Classification Sherloc (09022015). Collection method: clinical testing. Allele origin: germline.
Comment: This sequence change replaces isoleucine, which is neutral and non-polar, with asparagine, which is neutral and polar, at codon 410 of the SLC4A1 protein (p.Ile410Asn). This variant is not present in population databases (gnomAD no frequency). This variant has not been reported in the literature in individuals affected with SLC4A1-related conditions. Advanced modeling of protein sequence and biophysical properties (such as structural, functional, and spatial information, amino acid conservation, physicochemical variation, residue mobility, and thermodynamic stability) performed at Invitae indicates that this missense variant is expected to disrupt SLC4A1 protein function with a positive predictive value of 80%. In summary, the available evidence is currently insufficient to determine the role of this variant in disease. Therefore, it has been classified as a Variant of Uncertain Significance.

NM_000342.4(SLC4A1):c.1229T>A (p.Ile410Asn)

Gene: SLC4A1 (solute carrier family 4 member 1 (Diego blood group); minus strand). Cytogenetic location: 17q21.31.
Variant type: single nucleotide variant.
Coding change: c.1229T>A on transcript NM_000342.4 (MANE Select); coding-DNA position 1229, T replaced by A.
Protein change: p.Ile410Asn; replaces isoleucine 410 with asparagine.
Molecular consequence: missense variant.
Genome position (GRCh38, 1-based): chr17:44,258,039, A>T on the plus strand (T>A on the coding strand, the complement: SLC4A1 is on the minus strand). VCF-style: chr17-44258039-A-T. GRCh37 (hg19) VCF-style: chr17-42335407-A-T.
Other names: short protein forms I410N.
Identifiers: ClinVar variation 2897243 (VCV002897243.3), dbSNP rs2047405944, ClinGen allele CA399788116.